The following is an entry in ClinVar:

ClinVar aggregate classification (germline): Likely pathogenic (1 of 4 stars; one submission).

Conditions:
Saldino-Mainzer syndrome (SRTD9). Also called: CONORENAL SYNDROME; Renal dysplasia, retinal pigmentary dystrophy, cerebellar ataxia and skeletal dysplasia; SHORT-RIB THORACIC DYSPLASIA 9 WITHOUT POLYDACTYLY; short-rib thoracic dysplasia 9 with or without polydactyly. Identifiers: Orphanet 140969, MedGen C1849437, MONDO:0009964, OMIM 266920.

Submission:

Labcorp Genetics (formerly Invitae), Labcorp
Classification: Likely pathogenic for Saldino-Mainzer syndrome. Last evaluated: 2025-04-17. Review status: criteria provided, single submitter. Criteria: Invitae Variant Classification Sherloc (09022015). Collection method: clinical testing. Allele origin: germline.
Comment: This sequence change affects a donor splice site in intron 23 of the IFT140 gene. It is expected to disrupt RNA splicing. Variants that disrupt the donor or acceptor splice site typically lead to a loss of protein function (PMID: 16199547), and loss-of-function variants in IFT140 are known to be pathogenic (PMID: 22503633, 23418020, 24009529, 26216056). This variant is not present in population databases (gnomAD no frequency). This variant has not been reported in the literature in individuals affected with IFT140-related conditions. ClinVar contains an entry for this variant (Variation ID: 2882083). Algorithms developed to predict the effect of sequence changes on RNA splicing suggest that this variant may disrupt the consensus splice site. In summary, the currently available evidence indicates that the variant is pathogenic, but additional data are needed to prove that conclusively. Therefore, this variant has been classified as Likely Pathogenic.

Literature cited by the submitters: PubMed 16199547; PubMed 22503633; PubMed 23418020; PubMed 24009529; PubMed 26216056.

NM_014714.4(IFT140):c.2997+2T>C

Genes: IFT140 (intraflagellar transport 140; minus strand), LOC126862260 (CDK7 strongly-dependent group 2 enhancer GRCh37_chr16:1574508-1575707; plus strand). Cytogenetic location: 16p13.3.
Variant type: single nucleotide variant.
Coding change: c.2997+2T>C on transcript NM_014714.4 (MANE Select); the canonical splice donor site of the intron after coding-DNA position 2997, T replaced by C.
Molecular consequence: splice donor variant.
Genome position (GRCh38, 1-based): chr16:1,524,782, A>G on the plus strand (T>C on the coding strand, the complement: IFT140 is on the minus strand). VCF-style: chr16-1524782-A-G. GRCh37 (hg19) VCF-style: chr16-1574783-A-G.
Identifiers: ClinVar variation 2882083 (VCV002882083.3), dbSNP rs2506115439, ClinGen allele CA394226203.